The following is an entry in ClinVar:

NM_001141980.3(TP53BP1):c.3955C>T (p.Arg1319Cys)

Gene: TP53BP1 (tumor protein p53 binding protein 1; minus strand). Cytogenetic location: 15q15.3.
Variant type: single nucleotide variant.
Coding change: c.3955C>T on transcript NM_001141980.3 (MANE Select); coding-DNA position 3955, C replaced by T.
Protein change: p.Arg1319Cys; replaces arginine 1319 with cysteine.
Molecular consequence: missense variant.
Genome position (GRCh38, 1-based): chr15:43,422,000, G>A on the plus strand (C>T on the coding strand, the complement: TP53BP1 is on the minus strand). VCF-style: chr15-43422000-G-A. GRCh37 (hg19) VCF-style: chr15-43714198-G-A.
Other names: c.3955C>T, p.Arg1319Cys (NM_001141979.3, NM_001411050.1); c.1075C>T, p.Arg359Cys (NM_001355001.2); c.3940C>T, p.Arg1314Cys (NM_005657.4); short protein forms R1314C, R1319C, R359C.
Identifiers: ClinVar variation 4872054 (VCV004872054.2).

ClinVar aggregate classification (germline): Likely benign (1 of 4 stars; one submission).

gnomAD v4.1: 1,615 of 1,614,172 alleles (0.1%); highest among the groups gnomAD compares: Non-Finnish European, 0.13%; 1 homozygote.

Submission:

CeGaT Center for Human Genetics Tuebingen
Classification: Likely benign. Last evaluated: 2026-05-01. Review status: criteria provided, single submitter. Criteria: CeGaT Center For Human Genetics Tuebingen Variant Classification Criteria Version 2. Collection method: clinical testing. Allele origin: germline. Affected: yes. Observed: 1 variant allele.
Comment: TP53BP1: BP4